The following is an entry in ClinVar:

NM_001134363.3(RBM20):c.3266C>G (p.Pro1089Arg)

Gene: RBM20 (RNA binding motif protein 20; plus strand). Cytogenetic location: 10q25.2.
Variant type: single nucleotide variant.
Coding change: c.3266C>G on transcript NM_001134363.3 (MANE Select); coding-DNA position 3266, C replaced by G.
Protein change: p.Pro1089Arg; replaces proline 1089 with arginine.
Molecular consequence: missense variant.
Genome position (GRCh38, 1-based): chr10:110,821,885, C>G. VCF-style: chr10-110821885-C-G. GRCh37 (hg19) VCF-style: chr10-112581643-C-G.
Other names: p.Pro1089Arg; c.3266C>G (LRG_382t1); short protein forms P1089R.
Identifiers: ClinVar variation 298801 (VCV000298801.20), dbSNP rs772708424, ClinGen allele CA5688743.

ClinVar aggregate classification (germline): Conflicting classifications of pathogenicity. Review status: criteria provided, conflicting classifications (1 of 4 stars). 6 submissions from 6 submitters: Uncertain significance (1); Likely benign (5). Last evaluated 2026-01-27.

Conditions:
RBM20-related disorder. Also called: RBM20-related condition.
Dilated cardiomyopathy 1DD (CMD1DD). Identifiers: Orphanet 154, MedGen C2750995, MONDO:0013168, OMIM 613172.
Cardiovascular phenotype. Identifiers: MedGen CN230736.

Allele frequency attached by ClinVar (database versions not stated): TOPMed 0.00002; gnomAD 0.00004 and 0.00007; 1000 Genomes Project 30x 0.00047; ExAC 0.00060.
gnomAD v4.1: 150 of 1,551,720 alleles (0.0097%); highest among the groups gnomAD compares: South Asian, 0.12%; 2 homozygotes.

Submissions (6):

Labcorp Genetics (formerly Invitae), Labcorp
Classification: Likely benign for Dilated cardiomyopathy 1DD. Last evaluated: 2026-01-27. Review status: criteria provided, single submitter. Criteria: Invitae Variant Classification Sherloc (09022015). Collection method: clinical testing. Allele origin: germline.

Mayo Clinic Laboratories, Mayo Clinic
Classification: Likely benign. Last evaluated: 2025-06-11. Review status: criteria provided, single submitter. Criteria: ACMG Guidelines, 2015. Collection method: clinical testing. Allele origin: germline. Observed: 2 variant alleles.

PreventionGenetics, part of Exact Sciences
Classification: Likely benign for RBM20-related condition. Last evaluated: 2025-02-07. Review status: criteria provided, single submitter. Criteria: ACMG Guidelines, 2015. Collection method: clinical testing. Allele origin: germline.
Comment: This variant is classified as likely benign based on ACMG/AMP sequence variant interpretation guidelines (Richards et al. 2015 PMID: 25741868, with internal and published modifications).

Blueprint Genetics
Classification: Likely benign. Last evaluated: 2024-04-25. Review status: criteria provided, single submitter. Criteria: ACMG Guidelines, 2015. Collection method: clinical testing. Allele origin: germline.

Ambry Genetics
Classification: Likely benign for Cardiovascular phenotype. Last evaluated: 2021-06-03. Review status: criteria provided, single submitter. Criteria: Ambry Variant Classification Scheme 2023. Collection method: clinical testing. Allele origin: germline.

Illumina Laboratory Services, Illumina
Classification: Uncertain significance for Dilated cardiomyopathy 1DD. Last evaluated: 2018-01-12. Review status: criteria provided, single submitter. Criteria: ICSL Variant Classification Criteria 13 December 2019. Collection method: clinical testing. Allele origin: germline.